The following is an entry in ClinVar:

ClinVar aggregate classification (germline): Benign/Likely benign. Review status: criteria provided, multiple submitters, no conflicts (2 of 4 stars). 3 submissions from 3 submitters: Benign (1); Likely benign (2). Last evaluated 2025-07-06.

Conditions:
Hereditary cancer-predisposing syndrome. Also called: Hereditary neoplastic syndrome; Neoplastic Syndromes, Hereditary; Hereditary Cancer Syndrome; Tumor predisposition. Identifiers: Orphanet 140162, MedGen C0027672, MeSH D009386, MONDO:0015356.
Pheochromocytoma/paraganglioma syndrome 3. Also called: GLOMUS TUMORS, FAMILIAL, 3; SDHC-Related Hereditary Paraganglioma-Pheochromocytoma Syndrome; Paragangliomas 3; SDHC-Related Hereditary Paraganglioma-Pheochromocytoma Syndrome (Paragangliomas 3). Identifiers: Orphanet 29072, MedGen C1854336, MONDO:0011544, OMIM 605373.
Gastrointestinal stromal tumor. Also called: Gastrointestinal stromal tumor, somatic; Gastrointestinal stroma tumor. Identifiers: Orphanet 44890, MedGen C0238198, MeSH D046152, MONDO:0011719, OMIM 606764, HP:0100723.

Allele frequency attached by ClinVar (database versions not stated): gnomAD exomes below 0.00001.
gnomAD v4.1: 1 of 1,614,024 alleles (0.000062%); highest among the groups gnomAD compares: Non-Finnish European, 0.000085%; no homozygotes.

Submissions (3):

Labcorp Genetics (formerly Invitae), Labcorp
Classification: Likely benign for Pheochromocytoma/paraganglioma syndrome 3; Gastrointestinal stromal tumor. Last evaluated: 2025-07-06. Review status: criteria provided, single submitter. Criteria: Invitae Variant Classification Sherloc (09022015). Collection method: clinical testing. Allele origin: germline.

Myriad Genetics, Inc.
Classification: Benign for Pheochromocytoma/paraganglioma syndrome 3. Last evaluated: 2025-03-14. Review status: criteria provided, single submitter. Criteria: Myriad Autosomal Dominant, Autosomal Recessive and X-Linked Classification Criteria (2023). Collection method: clinical testing. Allele origin: unknown.
Comment: This variant is considered benign. This variant is a silent/synonymous amino acid change and it is not expected to impact splicing.

Ambry Genetics
Classification: Likely benign for Hereditary cancer-predisposing syndrome. Last evaluated: 2020-03-06. Review status: criteria provided, single submitter. Criteria: Ambry Variant Classification Scheme 2023. Collection method: clinical testing. Allele origin: germline.

NM_003001.5(SDHC):c.294T>C (p.Ser98=)

Gene: SDHC (succinate dehydrogenase complex subunit C; plus strand). Cytogenetic location: 1q23.3.
Variant type: single nucleotide variant.
Coding change: c.294T>C on transcript NM_003001.5 (MANE Select); coding-DNA position 294, T replaced by C.
Protein change: p.Ser98=; no amino-acid change (serine 98 retained).
Molecular consequence: synonymous variant. On other transcripts: non-coding transcript variant (1), intron variant (3).
Genome position (GRCh38, 1-based): chr1:161,356,729, T>C. VCF-style: chr1-161356729-T-C. GRCh37 (hg19) VCF-style: chr1-161326519-T-C.
Other names: c.192T>C, p.Ser64= (NM_001035512.3); c.135T>C, p.Ser45= (NM_001035513.3); c.414T>C, p.Ser138= (NM_001407115.1); c.237T>C, p.Ser79= (NM_001407116.1); c.231T>C, p.Ser77= (NM_001407117.1); c.186T>C, p.Ser62= (NM_001407118.1); c.183T>C, p.Ser61= (NM_001407119.1, NM_001407120.1); c.242-5600T>C (NM_001035511.3); and 2 more.
Identifiers: ClinVar variation 534381 (VCV000534381.15), dbSNP rs376292127, ClinGen allele CA421501033.